The following is an entry in ClinVar:

ClinVar aggregate classification (germline): Uncertain significance. Review status: criteria provided, multiple submitters, no conflicts (2 of 4 stars). 2 submissions from 2 submitters: Uncertain significance (2). Last evaluated 2025-03-26.

Conditions:
Inborn genetic diseases. Identifiers: MedGen C0950123, MeSH D030342.

Allele frequency attached by ClinVar (database versions not stated): gnomAD 0.00001; gnomAD exomes 0.00001; TOPMed 0.00002.
gnomAD v4.1: 7 of 1,614,090 alleles (0.00043%); highest among the groups gnomAD compares: Non-Finnish European, 0.00059%; no homozygotes.

Submissions (2):

Ambry Genetics
Classification: Uncertain significance for Inborn genetic diseases. Last evaluated: 2025-03-26. Review status: criteria provided, single submitter. Criteria: Ambry Variant Classification Scheme 2023. Collection method: clinical testing. Allele origin: germline.

Labcorp Genetics (formerly Invitae), Labcorp
Classification: Uncertain significance. Last evaluated: 2022-10-17. Review status: criteria provided, single submitter. Criteria: Invitae Variant Classification Sherloc (09022015). Collection method: clinical testing. Allele origin: germline.
Comment: This sequence change replaces glutamic acid, which is acidic and polar, with valine, which is neutral and non-polar, at codon 414 of the CNNM4 protein (p.Glu414Val). This variant is not present in population databases (gnomAD no frequency). This variant has not been reported in the literature in individuals affected with CNNM4-related conditions. Advanced modeling of protein sequence and biophysical properties (such as structural, functional, and spatial information, amino acid conservation, physicochemical variation, residue mobility, and thermodynamic stability) performed at Invitae indicates that this missense variant is not expected to disrupt CNNM4 protein function. In summary, the available evidence is currently insufficient to determine the role of this variant in disease. Therefore, it has been classified as a Variant of Uncertain Significance.

NM_020184.4(CNNM4):c.1241A>T (p.Glu414Val)

Gene: CNNM4 (cyclin and CBS domain divalent metal cation transport mediator 4; plus strand). Cytogenetic location: 2q11.2.
Variant type: single nucleotide variant.
Coding change: c.1241A>T on transcript NM_020184.4 (MANE Select); coding-DNA position 1241, A replaced by T.
Protein change: p.Glu414Val; replaces glutamic acid 414 with valine.
Molecular consequence: missense variant.
Genome position (GRCh38, 1-based): chr2:96,762,240, A>T. VCF-style: chr2-96762240-A-T. GRCh37 (hg19) VCF-style: chr2-97427977-A-T.
Other names: short protein forms E414V.
Identifiers: ClinVar variation 2058231 (VCV002058231.3), dbSNP rs2078771494, ClinGen allele CA347717029.